The following is an entry in ClinVar:

NM_213653.4(HJV):c.97+2T>A

Gene: HJV (hemojuvelin BMP co-receptor; minus strand). Cytogenetic location: 1q21.1.
Variant type: single nucleotide variant.
Coding change: c.97+2T>A on transcript NM_213653.4 (MANE Select); the canonical splice donor site of the intron after coding-DNA position 97, T replaced by A.
Molecular consequence: splice donor variant. On other transcripts: intron variant (3).
Genome position (GRCh38, 1-based): chr1:146,020,133, A>T on the plus strand (T>A on the coding strand, the complement: HJV is on the minus strand). VCF-style: chr1-146020133-A-T. GRCh37 (hg19) VCF-style: chr1-145414880-T-A.
Other names: c.-21-1433T>A (NM_213652.4); c.-58-399T>A (NM_202004.4); c.-242-399T>A (NM_145277.5); c.-59+2T>A (NM_001316767.2); c.97+2T>A (NM_001379352.1).
Identifiers: ClinVar variation 2842965 (VCV002842965.3), dbSNP rs2101986321, ClinGen allele CA342144343.

ClinVar aggregate classification (germline): Likely pathogenic (1 of 4 stars; one submission).

Submission:

Labcorp Genetics (formerly Invitae), Labcorp
Classification: Likely pathogenic. Last evaluated: 2023-07-25. Review status: criteria provided, single submitter. Criteria: Invitae Variant Classification Sherloc (09022015). Collection method: clinical testing. Allele origin: germline.
Comment: This sequence change affects a donor splice site in intron 2 of the HJV gene. It is expected to disrupt RNA splicing. Variants that disrupt the donor or acceptor splice site typically lead to a loss of protein function (PMID: 16199547), and loss-of-function variants in HJV are known to be pathogenic (PMID: 20301349, 22408404). In summary, the currently available evidence indicates that the variant is pathogenic, but additional data are needed to prove that conclusively. Therefore, this variant has been classified as Likely Pathogenic. Algorithms developed to predict the effect of sequence changes on RNA splicing suggest that this variant may disrupt the consensus splice site. This variant has not been reported in the literature in individuals affected with HJV-related conditions. This variant is not present in population databases (gnomAD no frequency).

Literature cited by the submitters: PubMed 16199547; PubMed 20301349; PubMed 22408404.